The following is an entry in ClinVar:

NM_001145026.2(PTPRQ):c.3321G>C (p.Glu1107Asp)

Gene: PTPRQ (protein tyrosine phosphatase receptor type Q; plus strand). Cytogenetic location: 12q21.31.
Variant type: single nucleotide variant.
Coding change: c.3321G>C on transcript NM_001145026.2 (MANE Select); coding-DNA position 3321, G replaced by C.
Protein change: p.Glu1107Asp; replaces glutamic acid 1107 with aspartic acid.
Molecular consequence: missense variant.
Genome position (GRCh38, 1-based): chr12:80,541,721, G>C. VCF-style: chr12-80541721-G-C. GRCh37 (hg19) VCF-style: chr12-80935500-G-C.
Other names: short protein forms E1107D.
Identifiers: ClinVar variation 5041053 (VCV005041053.1).

ClinVar aggregate classification (germline): Uncertain significance (1 of 4 stars; one submission).

gnomAD v4.1: 42 of 1,551,302 alleles (0.0027%); highest among the groups gnomAD compares: Non-Finnish European, 0.0035%; no homozygotes.

Submission:

CeGaT Center for Human Genetics Tuebingen
Classification: Uncertain significance. Last evaluated: 2026-09-01. Review status: criteria provided, single submitter. Criteria: CeGaT Center For Human Genetics Tuebingen Variant Classification Criteria Version 2. Collection method: clinical testing. Allele origin: germline. Affected: yes. Observed: 1 variant allele.
Comment: PTPRQ: PM2, BP4